The following is an entry in ClinVar:

NM_020297.4(ABCC9):c.2863G>A (p.Glu955Lys)

Gene: ABCC9 (ATP binding cassette subfamily C member 9; minus strand). Cytogenetic location: 12p12.1.
Variant type: single nucleotide variant.
Coding change: c.2863G>A on transcript NM_020297.4 (MANE Select); coding-DNA position 2863, G replaced by A.
Protein change: p.Glu955Lys; replaces glutamic acid 955 with lysine.
Molecular consequence: missense variant.
Genome position (GRCh38, 1-based): chr12:21,848,153, C>T on the plus strand (G>A on the coding strand, the complement: ABCC9 is on the minus strand). VCF-style: chr12-21848153-C-T. GRCh37 (hg19) VCF-style: chr12-22001087-C-T.
Other names: c.2863G>A, p.Glu955Lys (NM_001377273.1, NM_005691.4); c.1996G>A, p.Glu666Lys (NM_001377274.1); short protein forms E955K, E666K.
Identifiers: ClinVar variation 835205 (VCV000835205.15), dbSNP rs1452956891, ClinGen allele CA384121537.

ClinVar aggregate classification (germline): Uncertain significance. Review status: criteria provided, multiple submitters, no conflicts (2 of 4 stars). 4 submissions from 3 submitters: Uncertain significance (4). Last evaluated 2023-04-28.

Conditions:
Cardiovascular phenotype. Identifiers: MedGen CN230736.
Hypertrichotic osteochondrodysplasia Cantu type. Also called: Cantú Syndrome; Cantu Syndrome. Identifiers: Orphanet 1517, MedGen C0795905, MONDO:0009406, OMIM 239850.
Dilated cardiomyopathy 1O (CMD1O). Also called: CARDIOMYOPATHY, DILATED, WITH VENTRICULAR TACHYCARDIA. Identifiers: Orphanet 154, MedGen C1837839, MONDO:0012062, OMIM 608569.

Allele frequency attached by ClinVar (database versions not stated): gnomAD exomes below 0.00001 and 0.00001; TOPMed 0.00002.
gnomAD v4.1: 16 of 1,613,132 alleles (0.00099%); highest among the groups gnomAD compares: Non-Finnish European, 0.0014%; no homozygotes.

Submissions (4):

Labcorp Genetics (formerly Invitae), Labcorp
Classification: Uncertain significance for Dilated cardiomyopathy 1O. Last evaluated: 2023-04-28. Review status: criteria provided, single submitter. Criteria: Invitae Variant Classification Sherloc (09022015). Collection method: clinical testing. Allele origin: germline.
Comment: Advanced modeling of protein sequence and biophysical properties (such as structural, functional, and spatial information, amino acid conservation, physicochemical variation, residue mobility, and thermodynamic stability) has been performed at Invitae for this missense variant, however the output from this modeling did not meet the statistical confidence thresholds required to predict the impact of this variant on ABCC9 protein function. This sequence change replaces glutamic acid, which is acidic and polar, with lysine, which is basic and polar, at codon 955 of the ABCC9 protein (p.Glu955Lys). This variant is present in population databases (no rsID available, gnomAD 0.0009%). This variant has not been reported in the literature in individuals affected with ABCC9-related conditions. ClinVar contains an entry for this variant (Variation ID: 835205). In summary, the available evidence is currently insufficient to determine the role of this variant in disease. Therefore, it has been classified as a Variant of Uncertain Significance.

Ambry Genetics
Classification: Uncertain significance for Cardiovascular phenotype. Last evaluated: 2023-03-09. Review status: criteria provided, single submitter. Criteria: Ambry Variant Classification Scheme 2023. Collection method: clinical testing. Allele origin: germline.
Comment: The p.E955K variant (also known as c.2863G>A), located in coding exon 23 of the ABCC9 gene, results from a G to A substitution at nucleotide position 2863. The glutamic acid at codon 955 is replaced by lysine, an amino acid with similar properties. This amino acid position is highly conserved in available vertebrate species. In addition, the in silico prediction for this alteration is inconclusive. Since supporting evidence is limited at this time, the clinical significance of this alteration remains unclear.

Illumina Laboratory Services, Illumina
Classification: Uncertain significance for Hypertrichotic osteochondrodysplasia Cantu type. Last evaluated: 2017-09-11. Review status: criteria provided, single submitter. Criteria: ICSL Variant Classification Criteria 13 December 2019. Collection method: clinical testing. Allele origin: germline.

Illumina Laboratory Services, Illumina
Classification: Uncertain significance for Dilated cardiomyopathy 1O. Last evaluated: 2017-09-11. Review status: criteria provided, single submitter. Criteria: ICSL Variant Classification Criteria 13 December 2019. Collection method: clinical testing. Allele origin: germline.